The following is an entry in ClinVar:

ClinVar aggregate classification (germline): Uncertain significance (1 of 4 stars; one submission).

Conditions:
Inborn genetic diseases. Identifiers: MedGen C0950123, MeSH D030342.

Submission:

Ambry Genetics
Classification: Uncertain significance for Inborn genetic diseases. Last evaluated: 2026-03-17. Review status: criteria provided, single submitter. Criteria: Ambry Variant Classification Scheme 2023. Collection method: clinical testing. Allele origin: germline.
Comment: The p.D53Y variant (also known as c.157G>T), located in coding exon 1 of the GATA2 gene, results from a G to T substitution at nucleotide position 157. The aspartic acid at codon 53 is replaced by tyrosine, an amino acid with highly dissimilar properties. This amino acid position is conserved. In addition, this alteration is predicted to be deleterious by in silico analysis. Based on the available evidence, the clinical significance of this variant remains unclear.

NM_032638.5(GATA2):c.157G>T (p.Asp53Tyr)

Gene: GATA2 (GATA binding protein 2; minus strand). Cytogenetic location: 3q21.3.
Variant type: single nucleotide variant.
Coding change: c.157G>T on transcript NM_032638.5 (MANE Select); coding-DNA position 157, G replaced by T.
Protein change: p.Asp53Tyr; replaces aspartic acid 53 with tyrosine.
Molecular consequence: missense variant.
Genome position (GRCh38, 1-based): chr3:128,486,875, C>A on the plus strand (G>T on the coding strand, the complement: GATA2 is on the minus strand). VCF-style: chr3-128486875-C-A. GRCh37 (hg19) VCF-style: chr3-128205718-C-A.
Other names: c.157G>T, p.Asp53Tyr (NM_001145661.2, NM_001145662.1); short protein forms D53Y.
Identifiers: ClinVar variation 4871671 (VCV004871671.1).